The following is an entry in ClinVar:

ClinVar aggregate classification (germline): Uncertain significance (1 of 4 stars; one submission).

Conditions:
Cardiovascular phenotype. Identifiers: MedGen CN230736.

Submission:

Ambry Genetics
Classification: Uncertain significance for Cardiovascular phenotype. Last evaluated: 2024-02-22. Review status: criteria provided, single submitter. Criteria: Ambry Variant Classification Scheme 2023. Collection method: clinical testing. Allele origin: germline.
Comment: The c.364G>C (p.E122Q) alteration is located in exon 3 (coding exon 2) of the TBX1 gene. This alteration results from a G to C substitution at nucleotide position 364, causing the glutamic acid (E) at amino acid position 122 to be replaced by a glutamine (Q). This variant was not reported in population-based cohorts in the Genome Aggregation Database (gnomAD). This amino acid position is highly conserved in available vertebrate species. This alteration is predicted to be tolerated by in silico analysis. Based on insufficient or conflicting evidence, the clinical significance of this alteration remains unclear.

NM_001379200.1(TBX1):c.391G>C (p.Glu131Gln)

Gene: TBX1 (T-box transcription factor 1; plus strand). Cytogenetic location: 22q11.21.
Variant type: single nucleotide variant.
Coding change: c.391G>C on transcript NM_001379200.1 (MANE Select); coding-DNA position 391, G replaced by C.
Protein change: p.Glu131Gln; replaces glutamic acid 131 with glutamine.
Molecular consequence: missense variant.
Genome position (GRCh38, 1-based): chr22:19,761,234, G>C. VCF-style: chr22-19761234-G-C. GRCh37 (hg19) VCF-style: chr22-19748757-G-C.
Other names: c.364G>C, p.Glu122Gln (NM_005992.1, NM_080646.2, NM_080647.1); short protein forms E122Q, E131Q.
Identifiers: ClinVar variation 3174921 (VCV003174921.1), dbSNP rs1228619238, ClinGen allele CA410681764.